The following is an entry in ClinVar:

ClinVar aggregate classification (germline): Likely benign. Review status: criteria provided, multiple submitters, no conflicts (2 of 4 stars). 2 submissions from 2 submitters: Likely benign (2). Last evaluated 2026-07-07.

Conditions:
Rhabdoid tumor predisposition syndrome 2 (RTPS2). Identifiers: Orphanet 231108, Orphanet 69077, MedGen C2750074, MONDO:0013224, OMIM 613325.

Allele frequency attached by ClinVar (database versions not stated): gnomAD exomes below 0.00001.

Submissions (2):

Myriad Genetics, Inc.
Classification: Likely benign for Rhabdoid tumor predisposition syndrome 2. Last evaluated: 2026-07-07. Review status: criteria provided, single submitter. Criteria: Myriad Autosomal Dominant, Autosomal Recessive and X-Linked Classification Criteria (2023). Collection method: clinical testing. Allele origin: unknown.
Comment: This variant is considered likely benign. This variant is intronic and is not expected to impact mRNA splicing.

Labcorp Genetics (formerly Invitae), Labcorp
Classification: Likely benign for Rhabdoid tumor predisposition syndrome 2. Last evaluated: 2025-12-30. Review status: criteria provided, single submitter. Criteria: Invitae Variant Classification Sherloc (09022015). Collection method: clinical testing. Allele origin: germline.

NM_003072.5(SMARCA4):c.2002-10C>T

Gene: SMARCA4 (SWI/SNF related BAF chromatin remodeling complex subunit ATPase 4; plus strand). Cytogenetic location: 19p13.2.
Variant type: single nucleotide variant.
Coding change: c.2002-10C>T on transcript NM_003072.5 (MANE Select); 10 bases into the intron before coding-DNA position 2002, C replaced by T.
Molecular consequence: intron variant.
Genome position (GRCh38, 1-based): chr19:11,007,892, C>T. VCF-style: chr19-11007892-C-T. GRCh37 (hg19) VCF-style: chr19-11118568-C-T.
Other names: c.2002-10C>T (NM_001128844.3, NM_001128849.3, NM_001128847.4 and 5 more transcripts).
Identifiers: ClinVar variation 1573281 (VCV001573281.9), dbSNP rs1568462488, ClinGen allele CA2322718573.